The following is an entry in ClinVar:

NM_001042492.3(NF1):c.5268+1G>T

Gene: NF1 (neurofibromin 1; plus strand). Cytogenetic location: 17q11.2.
Variant type: single nucleotide variant.
Coding change: c.5268+1G>T on transcript NM_001042492.3 (MANE Select); the canonical splice donor site of the intron after coding-DNA position 5268, G replaced by T.
Molecular consequence: splice donor variant.
Genome position (GRCh38, 1-based): chr17:31,326,253, G>T. VCF-style: chr17-31326253-G-T. GRCh37 (hg19) VCF-style: chr17-29653271-G-T.
Other names: c.5205+1G>T (NM_000267.4).
Identifiers: ClinVar variation 996474 (VCV000996474.11), dbSNP rs2069338793, ClinGen allele CA399008435.
Genomic context (GRCh38, chr17:31,326,253, plus strand): 5'-CTGAAGGTATTCCACAATGCTCTCAAGCTAGCTCACAAAGACACCAAAGTTTCTATTAAA[G>T]TAAGTTCCAGTCTGTGTTTTGTAAACGATTCATTGCTTTTCTTGACTAACTAGACTATAT-3'

ClinVar aggregate classification (germline): Pathogenic. Review status: criteria provided, multiple submitters, no conflicts (2 of 4 stars). 5 submissions from 5 submitters: Pathogenic (5). Last evaluated 2024-11-07.

Conditions:
NF1-related disorder. Also called: NF1-related condition. Identifiers: MedGen CN379171.
Neurofibromatosis, type 1 (NF1). Also called: Neurofibromatosis, type I; Peripheral type neurofibromatosis; VON RECKLINGHAUSEN DISEASE; NEUROFIBROMATOSIS, TYPE I, SOMATIC. Identifiers: Orphanet 636, MedGen C0027831, MONDO:0018975, OMIM 162200. Disease mechanism: loss of function.

Submissions (5):

GeneDx
Classification: Pathogenic. Last evaluated: 2024-11-07. Review status: criteria provided, single submitter. Criteria: GeneDx Variant Classification Process June 2021. Collection method: clinical testing. Allele origin: germline. Affected: yes.
Comment: Not observed at significant frequency in large population cohorts (gnomAD); Canonical splice site variant predicted to result in a null allele in a gene for which loss of function is a known mechanism of disease; Also known as IVS28+1G>T; This variant is associated with the following publications: (PMID: 30014477, 35150601)

Labcorp Genetics (formerly Invitae), Labcorp
Classification: Pathogenic for Neurofibromatosis, type 1. Last evaluated: 2024-02-27. Review status: criteria provided, single submitter. Criteria: Invitae Variant Classification Sherloc (09022015). Collection method: clinical testing. Allele origin: germline.
Comment: This sequence change affects a donor splice site in intron 36 of the NF1 gene. It is expected to disrupt RNA splicing. Variants that disrupt the donor or acceptor splice site typically lead to a loss of protein function (PMID: 16199547), and loss-of-function variants in NF1 are known to be pathogenic (PMID: 10712197, 23913538). This variant is not present in population databases (gnomAD no frequency). Disruption of this splice site has been observed in individual(s) with clinical features of neurofibromatosis type 1 (PMID: 30014477). ClinVar contains an entry for this variant (Variation ID: 996474). Algorithms developed to predict the effect of sequence changes on RNA splicing suggest that this variant may disrupt the consensus splice site. For these reasons, this variant has been classified as Pathogenic.

Genome-Nilou Lab
Classification: Pathogenic for Neurofibromatosis, type 1. Last evaluated: 2022-03-15. Review status: criteria provided, single submitter. Criteria: ACMG Guidelines, 2015. Collection method: clinical testing. Allele origin: germline. Affected: no.

Genome Diagnostics Laboratory, The Hospital for Sick Children
Classification: Pathogenic for Neurofibromatosis, type 1. Last evaluated: 2020-10-26. Review status: criteria provided, single submitter. Criteria: ACMG Guidelines, 2015. Collection method: clinical testing. Allele origin: germline. Affected: yes.

Blueprint Genetics
Classification: Pathogenic for NF1-related disorders. Last evaluated: 2019-04-03. Review status: criteria provided, single submitter. Criteria: ACMG Guidelines, 2015. Collection method: clinical testing. Allele origin: germline. Affected: yes. Observed: 1 variant allele.

Literature cited by the submitters: PubMed 16199547 (cited by Labcorp Genetics (formerly Invitae), Labcorp); PubMed 10712197 (cited by Labcorp Genetics (formerly Invitae), Labcorp); PubMed 23913538 (cited by Labcorp Genetics (formerly Invitae), Labcorp); PubMed 30014477 (cited by Labcorp Genetics (formerly Invitae), Labcorp).